The following is an entry in ClinVar:

NM_000079.4(CHRNA1):c.196G>A (p.Val66Ile)

Gene: CHRNA1 (cholinergic receptor nicotinic alpha 1 subunit; minus strand). Cytogenetic location: 2q31.1.
Variant type: single nucleotide variant.
Coding change: c.196G>A on transcript NM_000079.4 (MANE Select); coding-DNA position 196, G replaced by A.
Protein change: p.Val66Ile; replaces valine 66 with isoleucine.
Molecular consequence: missense variant.
Genome position (GRCh38, 1-based): chr2:174,759,369, C>T on the plus strand (G>A on the coding strand, the complement: CHRNA1 is on the minus strand). VCF-style: chr2-174759369-C-T. GRCh37 (hg19) VCF-style: chr2-175624097-C-T.
Other names: c.196G>A, p.Val66Ile (NM_001039523.3); short protein forms V66I.
Identifiers: ClinVar variation 2731961 (VCV002731961.3), dbSNP rs775195278, ClinGen allele CA1974670.
Genomic context (GRCh38, chr2:174,759,369, plus strand): 5'-TGCAATTATCTGGCTAAGTTACCTGTTTCAGACGCACATTGGTTGTCACGATCTGATTTA[C>T]TTCATCCTGGAAAAAAAAATAAGGATCATTTTTATGGGGGAGAGAGGGGACCCAGGGGAG-3'
Protein context (NP_000070.1, residues 56-76): QLIQLINVDE[Val66Ile]NQIVTTNVRL

ClinVar aggregate classification (germline): Uncertain significance (1 of 4 stars; one submission).

Conditions:
Lethal multiple pterygium syndrome (LMPS). Identifiers: Orphanet 33108, MedGen C1854678, MONDO:0009668, OMIM 253290.

Allele frequency attached by ClinVar (database versions not stated): ExAC 0.00001; gnomAD 0.00001; gnomAD exomes 0.00001; TOPMed 0.00001.

Submission:

Labcorp Genetics (formerly Invitae), Labcorp
Classification: Uncertain significance for Lethal multiple pterygium syndrome. Last evaluated: 2022-11-07. Review status: criteria provided, single submitter. Criteria: Invitae Variant Classification Sherloc (09022015). Collection method: clinical testing. Allele origin: germline.
Comment: This variant is present in population databases (rs775195278, gnomAD 0.003%). In summary, the available evidence is currently insufficient to determine the role of this variant in disease. Therefore, it has been classified as a Variant of Uncertain Significance. Advanced modeling of protein sequence and biophysical properties (such as structural, functional, and spatial information, amino acid conservation, physicochemical variation, residue mobility, and thermodynamic stability) performed at Invitae indicates that this missense variant is not expected to disrupt CHRNA1 protein function. This variant has not been reported in the literature in individuals affected with CHRNA1-related conditions. This sequence change replaces valine, which is neutral and non-polar, with isoleucine, which is neutral and non-polar, at codon 66 of the CHRNA1 protein (p.Val66Ile).